The following is an entry in ClinVar:

NM_001110556.2(FLNA):c.1997C>G (p.Ala666Gly)

Gene: FLNA (filamin A; minus strand). Cytogenetic location: Xq28.
Variant type: single nucleotide variant.
Coding change: c.1997C>G on transcript NM_001110556.2 (MANE Select); coding-DNA position 1997, C replaced by G.
Protein change: p.Ala666Gly; replaces alanine 666 with glycine.
Molecular consequence: missense variant.
Genome position (GRCh38, 1-based): chrX:154,364,551, G>C on the plus strand (C>G on the coding strand, the complement: FLNA is on the minus strand). VCF-style: chrX-154364551-G-C. GRCh37 (hg19) VCF-style: chrX-153592919-G-C.
Other names: p.Ala666Gly; c.1997C>G, p.Ala666Gly (NM_001456.4); short protein forms A666G.
Identifiers: ClinVar variation 659180 (VCV000659180.15), dbSNP rs374295965, ClinGen allele CA10561035.
Genomic context (GRCh38, chrX:154,364,551, plus strand): 5'-GGGCGAGACTTAGGCCATCACAGCCTGCTCTTTACCCTGTCTGGGTGGAAGTCCTGGGGC[G>C]CGTCACGGATGTCAGCCATGAAGGGGCTGAGGCGGATGTCTTCGCTGTTGCACAGCACGT-3'
Protein context (NP_001104026.1, residues 656-676): LSPFMADIRD[Ala666Gly]PQDFHPDRVK

ClinVar aggregate classification (germline): Conflicting classifications of pathogenicity. Review status: criteria provided, conflicting classifications (1 of 4 stars). 4 submissions from 4 submitters: Uncertain significance (3); Likely benign (1). Last evaluated 2025-12-22.

Conditions:
Frontometaphyseal dysplasia (FMD1). Identifiers: Orphanet 1826, MedGen C0265293, MONDO:0015942.
Oto-palato-digital syndrome, type II (OPD2). Also called: FACIOPALATOOSSEOUS SYNDROME; Otopalatodigital Syndrome, Type II; Otopalatodigital Syndrome Type 2 (FLNA-OPD2); OPD II SYNDROME. Identifiers: Orphanet 669, Orphanet 90652, MedGen C1844696, MONDO:0010571, OMIM 304120.
Heterotopia, periventricular, X-linked dominant (PVNH1). Also called: PERIVENTRICULAR NODULAR HETEROTOPIA 4; HETEROTOPIA, PERIVENTRICULAR, 1; PERIVENTRICULAR NODULAR HETEROTOPIA 1; X-linked periventricular heterotopia. Identifiers: Orphanet 2149, Orphanet 82004, MedGen C1848213, MONDO:0010233, OMIM 300049.
Melnick-Needles syndrome (MNS). Also called: Melnick-Needles Syndrome (FLNA-MNS); MELNICK-NEEDLES OSTEODYSPLASTY; OSTEODYSPLASTY OF MELNICK AND NEEDLES. Identifiers: Orphanet 2484, MedGen C0025237, MONDO:0010650, OMIM 309350.
Familial thoracic aortic aneurysm and aortic dissection (TAAD). Also called: Thoracic aortic aneurysms and dissections. Identifiers: Orphanet 91387, MedGen C4707243, MONDO:0019625.

Allele frequency attached by ClinVar (database versions not stated): TOPMed 0.00012.
gnomAD v4.1: 13 of 1,207,984 alleles (0.0011%); highest among the groups gnomAD compares: African/African-American, 0.018%; no homozygotes.

Submissions (4):

Labcorp Genetics (formerly Invitae), Labcorp
Classification: Likely benign for Oto-palato-digital syndrome, type II; Heterotopia, periventricular, X-linked dominant; Frontometaphyseal dysplasia; Melnick-Needles syndrome. Last evaluated: 2025-12-22. Review status: criteria provided, single submitter. Criteria: Invitae Variant Classification Sherloc (09022015). Collection method: clinical testing. Allele origin: germline.

Mayo Clinic Laboratories, Mayo Clinic
Classification: Uncertain significance. Last evaluated: 2025-10-17. Review status: criteria provided, single submitter. Criteria: ACMG Guidelines, 2015. Collection method: clinical testing. Allele origin: germline. Observed: 2 variant alleles.
Comment: PP2

Women's Health and Genetics/Laboratory Corporation of America, LabCorp
Classification: Uncertain significance. Last evaluated: 2025-01-29. Review status: criteria provided, single submitter. Criteria: LabCorp Variant Classification Summary - May 2015. Collection method: clinical testing. Allele origin: germline.
Comment: Variant summary: FLNA c.1997C>G (p.Ala666Gly) results in a non-conservative amino acid change in the encoded protein sequence. Three of five in-silico tools predict a damaging effect of the variant on protein function. The variant allele was found at a frequency of 2.2e-05 in 179954 control chromosomes (gnomAD). The available data on variant occurrences in the general population are insufficient to allow any conclusion about variant significance. To our knowledge, no occurrence of c.1997C>G in individuals affected with Periventricular Nodular Heterotopia 1 and no experimental evidence demonstrating its impact on protein function have been reported. ClinVar contains an entry for this variant (Variation ID: 659180). Based on the evidence outlined above, the variant was classified as uncertain significance.

Ambry Genetics
Classification: Uncertain significance for Familial thoracic aortic aneurysm and aortic dissection. Last evaluated: 2020-06-25. Review status: criteria provided, single submitter. Criteria: Ambry Variant Classification Scheme 2023. Collection method: clinical testing. Allele origin: germline.
Comment: The p.A666G variant (also known as c.1997C>G), located in coding exon 12 of the FLNA gene, results from a C to G substitution at nucleotide position 1997. The alanine at codon 666 is replaced by glycine, an amino acid with similar properties. Based on data from the Genome Aggregation Database (gnomAD), the G allele has an overall frequency of <0.01% (5/201533) total alleles studied. The highest observed frequency was 0.02% (4/18102) of African alleles This amino acid position is well conserved in available vertebrate species. In addition, this alteration is predicted to be tolerated by in silico analysis. Since supporting evidence is limited at this time, the clinical significance of this alteration remains unclear.